The following is an entry in ClinVar:

NM_000057.4(BLM):c.2447T>A (p.Met816Lys)

Gene: BLM (BLM RecQ like helicase; plus strand). Cytogenetic location: 15q26.1.
Variant type: single nucleotide variant.
Coding change: c.2447T>A on transcript NM_000057.4 (MANE Select); coding-DNA position 2447, T replaced by A.
Protein change: p.Met816Lys; replaces methionine 816 with lysine.
Molecular consequence: missense variant.
Genome position (GRCh38, 1-based): chr15:90,769,478, T>A. VCF-style: chr15-90769478-T-A. GRCh37 (hg19) VCF-style: chr15-91312708-T-A.
Other names: c.2447T>A, p.Met816Lys (NM_001287246.2, NM_001287247.2); c.1322T>A, p.Met441Lys (NM_001287248.2); c.2447T>A (NM_000057.2); short protein forms M441K, M816K.
Identifiers: ClinVar variation 965240 (VCV000965240.15), dbSNP rs1896237707, ClinGen allele CA393845342.

ClinVar aggregate classification (germline): Uncertain significance. Review status: criteria provided, multiple submitters, no conflicts (2 of 4 stars). 3 submissions from 3 submitters: Uncertain significance (2). 1 of the submissions does not count toward it. Last evaluated 2025-12-24.

Conditions:
Hereditary cancer-predisposing syndrome. Also called: Hereditary neoplastic syndrome; Neoplastic Syndromes, Hereditary; Hereditary Cancer Syndrome; Tumor predisposition. Identifiers: Orphanet 140162, MedGen C0027672, MeSH D009386, MONDO:0015356.
Bloom syndrome (BLM). Also called: Bloom-Torre-Machacek syndrome. Identifiers: Orphanet 125, MedGen C0005859, MONDO:0008876, OMIM 210900.

Allele frequency attached by ClinVar (database versions not stated): gnomAD 0.00001.
gnomAD v4.1: 1 of 1,614,070 alleles (0.000062%); highest among the groups gnomAD compares: African/African-American, 0.0013%; no homozygotes.

Submissions (3):

Labcorp Genetics (formerly Invitae), Labcorp
Classification: Uncertain significance for Bloom syndrome. Last evaluated: 2025-12-24. Review status: criteria provided, single submitter. Criteria: Invitae Variant Classification Sherloc (09022015). Collection method: clinical testing. Allele origin: germline.
Comment: This sequence change replaces methionine, which is neutral and non-polar, with lysine, which is basic and polar, at codon 816 of the BLM protein (p.Met816Lys). This variant is not present in population databases (gnomAD no frequency). This variant has not been reported in the literature in individuals affected with BLM-related conditions. ClinVar contains an entry for this variant (Variation ID: 965240). Invitae Evidence Modeling of protein sequence and biophysical properties (such as structural, functional, and spatial information, amino acid conservation, physicochemical variation, residue mobility, and thermodynamic stability) indicates that this missense variant is not expected to disrupt BLM protein function with a negative predictive value of 80%. In summary, the available evidence is currently insufficient to determine the role of this variant in disease. Therefore, it has been classified as a Variant of Uncertain Significance.

Ambry Genetics
Classification: Uncertain significance for Hereditary cancer-predisposing syndrome. Last evaluated: 2022-02-10. Review status: criteria provided, single submitter. Criteria: Ambry Variant Classification Scheme 2023. Collection method: clinical testing. Allele origin: germline.
Comment: The p.M816K variant (also known as c.2447T>A), located in coding exon 11 of the BLM gene, results from a T to A substitution at nucleotide position 2447. The methionine at codon 816 is replaced by lysine, an amino acid with similar properties. This amino acid position is well conserved in available vertebrate species. In addition, this alteration is predicted to be tolerated by in silico analysis. Since supporting evidence is limited at this time, the clinical significance of this alteration remains unclear.

Natera, Inc.
Classification: Uncertain significance for Bloom syndrome. Last evaluated: 2021-03-03. Review status: no assertion criteria provided. Collection method: clinical testing. Allele origin: germline. Not counted in ClinVar's aggregate classification.